The following is an entry in ClinVar:

NM_022834.5(VWA1):c.1303G>A (p.Ala435Thr)

Gene: VWA1 (von Willebrand factor A domain containing 1; plus strand). Cytogenetic location: 1p36.33.
Variant type: single nucleotide variant.
Coding change: c.1303G>A on transcript NM_022834.5 (MANE Select); coding-DNA position 1303, G replaced by A.
Protein change: p.Ala435Thr; replaces alanine 435 with threonine.
Molecular consequence: missense variant. On other transcripts: 3 prime UTR variant (1).
Genome position (GRCh38, 1-based): chr1:1,439,752, G>A. VCF-style: chr1-1439752-G-A. GRCh37 (hg19) VCF-style: chr1-1375132-G-A.
Other names: p.Ala435Thr; c.*713G>A (NM_199121.3); short protein forms A435T.
Identifiers: ClinVar variation 3189216 (VCV003189216.2), dbSNP rs998485992, ClinGen allele CA16817168.

ClinVar aggregate classification (germline): Uncertain significance. Review status: criteria provided, multiple submitters, no conflicts (2 of 4 stars). 2 submissions from 2 submitters: Uncertain significance (2). Last evaluated 2024-12-28.

Allele frequency attached by ClinVar (database versions not stated): gnomAD 0.00045; 1000 Genomes Project 30x 0.00125.

Submissions (2):

Mayo Clinic Laboratories, Mayo Clinic
Classification: Uncertain significance. Last evaluated: 2024-12-28. Review status: criteria provided, single submitter. Criteria: ACMG Guidelines, 2015. Collection method: clinical testing. Allele origin: germline. Observed: 1 variant allele.
Comment: BP4, PM2_supporting

Ambry Genetics
Classification: Uncertain significance. Last evaluated: 2024-01-04. Review status: criteria provided, single submitter. Criteria: Ambry Variant Classification Scheme 2023. Collection method: clinical testing. Allele origin: germline.